The following is an entry in ClinVar:

NM_021076.4(NEFH):c.706G>A (p.Glu236Lys)

Gene: NEFH (neurofilament heavy chain; plus strand). Cytogenetic location: 22q12.2.
Variant type: single nucleotide variant.
Coding change: c.706G>A on transcript NM_021076.4 (MANE Select); coding-DNA position 706, G replaced by A.
Protein change: p.Glu236Lys; replaces glutamic acid 236 with lysine.
Molecular consequence: missense variant.
Genome position (GRCh38, 1-based): chr22:29,480,968, G>A. VCF-style: chr22-29480968-G-A. GRCh37 (hg19) VCF-style: chr22-29876957-G-A.
Other names: short protein forms E236K.
Identifiers: ClinVar variation 809342 (VCV000809342.47), dbSNP rs1487234863, ClinGen allele CA411123733.
Genomic context (GRCh38, chr22:29,480,968, plus strand): 5'-CTGCAGAAGAAGGCGCAGGCGCTGCAGGAGGAGTGCGGCTACCTGCGGCGCCACCACCAG[G>A]AAGAGGTGGGCGAGCTGCTCGGCCAGATCCAGGGCTCCGGCGCCGCGCAGGCGCAGATGC-3'
Protein context (NP_066554.2, residues 226-246): ECGYLRRHHQ[Glu236Lys]EVGELLGQIQ

ClinVar aggregate classification (germline): Uncertain significance. Review status: criteria provided, multiple submitters, no conflicts (2 of 4 stars). 2 submissions from 2 submitters: Uncertain significance (2). Last evaluated 2025-07-26.

Allele frequency attached by ClinVar (database versions not stated): gnomAD 0.00001; gnomAD exomes 0.00001 and 0.00002; TOPMed 0.00001.
gnomAD v4.1: 17 of 1,531,538 alleles (0.0011%); highest among the groups gnomAD compares: Middle Eastern, 0.019%; no homozygotes.

Submissions (2):

Labcorp Genetics (formerly Invitae), Labcorp
Classification: Uncertain significance. Last evaluated: 2025-07-26. Review status: criteria provided, single submitter. Criteria: Invitae Variant Classification Sherloc (09022015). Collection method: clinical testing. Allele origin: germline.
Comment: This sequence change replaces glutamic acid, which is acidic and polar, with lysine, which is basic and polar, at codon 236 of the NEFH protein (p.Glu236Lys). This variant is present in population databases (no rsID available, gnomAD 0.007%). This missense change has been observed in individual(s) with amyotrophic lateral sclerosis (PMID: 34275688, 34544842). ClinVar contains an entry for this variant (Variation ID: 809342). Invitae Evidence Modeling of protein sequence and biophysical properties (such as structural, functional, and spatial information, amino acid conservation, physicochemical variation, residue mobility, and thermodynamic stability) indicates that this missense variant is not expected to disrupt NEFH protein function with a negative predictive value of 95%. In summary, the available evidence is currently insufficient to determine the role of this variant in disease. Therefore, it has been classified as a Variant of Uncertain Significance.

CeGaT Center for Human Genetics Tuebingen
Classification: Uncertain significance. Last evaluated: 2017-09-01. Review status: criteria provided, single submitter. Criteria: CeGaT Center For Human Genetics Tuebingen Variant Classification Criteria Version 2. Collection method: clinical testing. Allele origin: germline. Affected: yes. Observed: 1 variant allele.

Literature cited by the submitters: PubMed 34275688 (cited by Labcorp Genetics (formerly Invitae), Labcorp); PubMed 34544842 (cited by Labcorp Genetics (formerly Invitae), Labcorp).